The following is an entry in ClinVar:

NM_000138.5(FBN1):c.4087G>T (p.Asp1363Tyr)

Gene: FBN1 (fibrillin 1; minus strand). Cytogenetic location: 15q21.1.
Variant type: single nucleotide variant.
Coding change: c.4087G>T on transcript NM_000138.5 (MANE Select); coding-DNA position 4087, G replaced by T.
Protein change: p.Asp1363Tyr; replaces aspartic acid 1363 with tyrosine.
Molecular consequence: missense variant.
Genome position (GRCh38, 1-based): chr15:48,474,528, C>A on the plus strand (G>T on the coding strand, the complement: FBN1 is on the minus strand). VCF-style: chr15-48474528-C-A. GRCh37 (hg19) VCF-style: chr15-48766725-C-A.
Other names: c.4087G>T, p.Asp1363Tyr (NM_001406716.1); short protein forms D1363Y.
Identifiers: ClinVar variation 2121178 (VCV002121178.4), dbSNP rs2505518445, ClinGen allele CA392320395.

ClinVar aggregate classification (germline): Likely pathogenic (1 of 4 stars; one submission).

Conditions:
Familial thoracic aortic aneurysm and aortic dissection (TAAD). Also called: Thoracic aortic aneurysms and dissections. Identifiers: Orphanet 91387, MedGen C4707243, MONDO:0019625.
Marfan syndrome (MFS). Also called: MARFAN SYNDROME, TYPE I; Marfan syndrome type 1; Marfan's syndrome; Marfan syndrome, classic; FBN1-Related Marfan Syndrome. Identifiers: Orphanet 284963, Orphanet 558, MedGen C0024796, MONDO:0007947, OMIM 154700.

Submission:

Labcorp Genetics (formerly Invitae), Labcorp
Classification: Likely pathogenic for Marfan syndrome; Familial thoracic aortic aneurysm and aortic dissection. Last evaluated: 2022-04-03. Review status: criteria provided, single submitter. Criteria: Invitae Variant Classification Sherloc (09022015). Collection method: clinical testing. Allele origin: germline.
Comment: This missense change has been observed in individual(s) with clinical features of FBN1-related conditions (Invitae). Algorithms developed to predict the effect of missense changes on protein structure and function (SIFT, PolyPhen-2, Align-GVGD) all suggest that this variant is likely to be disruptive. Variants that disrupt the consensus splice site are a relatively common cause of aberrant splicing (PMID: 17576681, 9536098). This variant disrupts the c.4087G nucleotide in the FBN1 gene. Other variant(s) that disrupt this nucleotide have been determined to be pathogenic (PMID: 30838813, 31825148). This suggests that this nucleotide is clinically significant, and that variants that disrupt this position are likely to be disease-causing. In summary, the currently available evidence indicates that the variant is pathogenic, but additional data are needed to prove that conclusively. Therefore, this variant has been classified as Likely Pathogenic. This variant is not present in population databases (gnomAD no frequency). This sequence change replaces aspartic acid, which is acidic and polar, with tyrosine, which is neutral and polar, at codon 1363 of the FBN1 protein (p.Asp1363Tyr). This variant also falls at the last nucleotide of exon 33, which is part of the consensus splice site for this exon.

Literature cited by the submitters: PubMed 17576681; PubMed 9536098; PubMed 30838813; PubMed 31825148.